The following is an entry in ClinVar:

ClinVar aggregate classification (germline): Uncertain significance (1 of 4 stars; one submission).

Submission:

GeneDx
Classification: Uncertain significance. Last evaluated: 2023-07-18. Review status: criteria provided, single submitter. Criteria: GeneDx Variant Classification Process June 2021. Collection method: clinical testing. Allele origin: germline. Affected: yes.
Comment: Not observed at significant frequency in large population cohorts (gnomAD); In silico analysis supports that this missense variant has a deleterious effect on protein structure/function; Has not been previously published as pathogenic or benign to our knowledge

NM_001371623.1(TCOF1):c.1401G>C (p.Gln467His)

Gene: TCOF1 (treacle ribosome biogenesis factor 1; plus strand). Cytogenetic location: 5q32.
Variant type: single nucleotide variant.
Coding change: c.1401G>C on transcript NM_001371623.1 (MANE Select); coding-DNA position 1401, G replaced by C.
Protein change: p.Gln467His; replaces glutamine 467 with histidine.
Molecular consequence: missense variant.
Genome position (GRCh38, 1-based): chr5:150,375,076, G>C. VCF-style: chr5-150375076-G-C. GRCh37 (hg19) VCF-style: chr5-149754639-G-C.
Other names: c.1170G>C, p.Gln390His (NM_000356.4, NM_001135245.2); c.1401G>C, p.Gln467His (NM_001008657.3, NM_001135243.2, NM_001135244.2 and 1 more transcripts); short protein forms Q390H, Q467H.
Identifiers: ClinVar variation 3361180 (VCV003361180.1).